The following is an entry in ClinVar:

ClinVar aggregate classification (germline): Likely benign (1 of 4 stars; one submission).

Conditions:
Hereditary diffuse gastric adenocarcinoma (HDGC). Also called: DIFFUSE GASTRIC AND LOBULAR BREAST CANCER SYNDROME. Identifiers: Orphanet 26106, MedGen C1708349, MONDO:0007648, OMIM 137215.

Submission:

Myriad Genetics, Inc.
Classification: Likely benign for Hereditary diffuse gastric adenocarcinoma. Last evaluated: 2024-09-20. Review status: criteria provided, single submitter. Criteria: Myriad Autosomal Dominant, Autosomal Recessive and X-Linked Classification Criteria (2023). Collection method: clinical testing. Allele origin: unknown.
Comment: This variant is considered likely benign. This variant is intronic and is not expected to impact mRNA splicing.

NM_004360.5(CDH1):c.2165-19_2165-17delinsTTT

Gene: CDH1 (cadherin 1; plus strand). Cytogenetic location: 16q22.1.
Variant type: Indel.
Coding change: c.2165-19_2165-17delinsTTT on transcript NM_004360.5 (MANE Select); 19 bases into the intron before coding-DNA position 2165 through 17 bases into the intron before coding-DNA position 2165, GTC replaced by TTT.
Molecular consequence: intron variant.
Genome position (GRCh38, 1-based): chr16:68,828,155-68,828,157, GTC replaced by TTT. VCF-style: chr16-68828155-GTC-TTT. GRCh37 (hg19) VCF-style: chr16-68862058-GTC-TTT.
Other names: c.617-19_617-17delinsTTT (NM_001317185.2); c.200-19_200-17delinsTTT (NM_001317186.2); c.1982-19_1982-17delinsTTT (NM_001317184.2).
Identifiers: ClinVar variation 3378594 (VCV003378594.1).